The following is an entry in ClinVar:

ClinVar aggregate classification (germline): Uncertain significance (1 of 4 stars; one submission).

Conditions:
Hereditary pheochromocytoma and paraganglioma. Also called: Hereditary paragangliomas and pheochromocytomas; Hereditary Paraganglioma-Pheochromocytoma Syndromes; Hereditary pheochromocytoma-paraganglioma. Identifiers: Orphanet 29072, MedGen C4274332, MONDO:0017366.

Submission:

Labcorp Genetics (formerly Invitae), Labcorp
Classification: Uncertain significance for Hereditary pheochromocytoma and paraganglioma. Last evaluated: 2023-10-03. Review status: criteria provided, single submitter. Criteria: Invitae Variant Classification Sherloc (09022015). Collection method: clinical testing. Allele origin: germline.
Comment: This sequence change replaces aspartic acid, which is acidic and polar, with valine, which is neutral and non-polar, at codon 139 of the MAX protein (p.Asp139Val). This variant is not present in population databases (gnomAD no frequency). This variant has not been reported in the literature in individuals affected with MAX-related conditions. ClinVar contains an entry for this variant (Variation ID: 1491705). An algorithm developed to predict the effect of missense changes on protein structure and function (PolyPhen-2) suggests that this variant is likely to be disruptive. In summary, the available evidence is currently insufficient to determine the role of this variant in disease. Therefore, it has been classified as a Variant of Uncertain Significance.

NM_002382.5(MAX):c.416A>T (p.Asp139Val)

Gene: MAX (MYC associated transcriptional regulator X; minus strand). Cytogenetic location: 14q23.3.
Variant type: single nucleotide variant.
Coding change: c.416A>T on transcript NM_002382.5 (MANE Select); coding-DNA position 416, A replaced by T.
Protein change: p.Asp139Val; replaces aspartic acid 139 with valine.
Molecular consequence: missense variant. On other transcripts: 3 prime UTR variant (1), intron variant (2).
Genome position (GRCh38, 1-based): chr14:65,076,543, T>A on the plus strand (A>T on the coding strand, the complement: MAX is on the minus strand). VCF-style: chr14-65076543-T-A. GRCh37 (hg19) VCF-style: chr14-65543261-T-A.
Other names: c.227A>T, p.Asp76Val (NM_001320415.2, NM_001407105.1, NM_001407106.1 and 1 more transcripts); c.416A>T, p.Asp139Val (NM_001407094.1); c.389A>T, p.Asp130Val (NM_001407095.1, NM_145112.3); c.*189A>T (NM_001407096.1, NM_001407099.1, NM_001407102.1 and 2 more transcripts); c.*205A>T (NM_001407097.1, NM_001407100.1, NM_001407101.1 and 4 more transcripts); c.308A>T, p.Asp103Val (NM_001407098.1); c.215A>T, p.Asp72Val (NM_001407111.1, NM_001407112.1); c.144+17165A>T (NM_001271069.2); and 1 more; short protein forms D139V, D76V, D130V, D103V, D72V.
Identifiers: ClinVar variation 1491705 (VCV001491705.9), dbSNP rs2139739937, ClinGen allele CA390031441.